The following is an entry in ClinVar:

ClinVar aggregate classification (germline): Uncertain significance (1 of 4 stars; one submission).

Submission:

Labcorp Genetics (formerly Invitae), Labcorp
Classification: Uncertain significance. Last evaluated: 2024-04-05. Review status: criteria provided, single submitter. Criteria: Invitae Variant Classification Sherloc (09022015). Collection method: clinical testing. Allele origin: germline.
Comment: This sequence change replaces isoleucine, which is neutral and non-polar, with asparagine, which is neutral and polar, at codon 1116 of the MYH3 protein (p.Ile1116Asn). This variant is not present in population databases (gnomAD no frequency). This variant has not been reported in the literature in individuals affected with MYH3-related conditions. Advanced modeling of protein sequence and biophysical properties (such as structural, functional, and spatial information, amino acid conservation, physicochemical variation, residue mobility, and thermodynamic stability) performed at Invitae indicates that this missense variant is not expected to disrupt MYH3 protein function with a negative predictive value of 95%. In summary, the available evidence is currently insufficient to determine the role of this variant in disease. Therefore, it has been classified as a Variant of Uncertain Significance.

NM_002470.4(MYH3):c.3347T>A (p.Ile1116Asn)

Gene: MYH3 (myosin heavy chain 3; minus strand). Cytogenetic location: 17p13.1.
Variant type: single nucleotide variant.
Coding change: c.3347T>A on transcript NM_002470.4 (MANE Select); coding-DNA position 3347, T replaced by A.
Protein change: p.Ile1116Asn; replaces isoleucine 1116 with asparagine.
Molecular consequence: missense variant.
Genome position (GRCh38, 1-based): chr17:10,638,425, A>T on the plus strand (T>A on the coding strand, the complement: MYH3 is on the minus strand). VCF-style: chr17-10638425-A-T. GRCh37 (hg19) VCF-style: chr17-10541742-A-T.
Other names: short protein forms I1116N.
Identifiers: ClinVar variation 3684430 (VCV003684430.2).